The following is an entry in ClinVar:

NM_017617.5(NOTCH1):c.5023A>C (p.Ile1675Leu)

Gene: NOTCH1 (notch receptor 1; minus strand). Cytogenetic location: 9q34.3.
Variant type: single nucleotide variant.
Coding change: c.5023A>C on transcript NM_017617.5 (MANE Select); coding-DNA position 5023, A replaced by C.
Protein change: p.Ile1675Leu; replaces isoleucine 1675 with leucine.
Molecular consequence: missense variant.
Genome position (GRCh38, 1-based): chr9:136,503,326, T>G on the plus strand (A>C on the coding strand, the complement: NOTCH1 is on the minus strand). VCF-style: chr9-136503326-T-G. GRCh37 (hg19) VCF-style: chr9-139397778-T-G.
Other names: short protein forms I1675L.
Identifiers: ClinVar variation 4824874 (VCV004824874.1).

ClinVar aggregate classification (germline): Uncertain significance (1 of 4 stars; one submission).

Conditions:
Familial thoracic aortic aneurysm and aortic dissection (TAAD). Also called: Thoracic aortic aneurysms and dissections. Identifiers: Orphanet 91387, MedGen C4707243, MONDO:0019625.

Submission:

Ambry Genetics
Classification: Uncertain significance for Familial thoracic aortic aneurysm and aortic dissection. Last evaluated: 2026-02-22. Review status: criteria provided, single submitter. Criteria: Ambry Variant Classification Scheme 2023. Collection method: clinical testing. Allele origin: germline.
Comment: The p.I1675L variant (also known as c.5023A>C), located in coding exon 27 of the NOTCH1 gene, results from an A to C substitution at nucleotide position 5023. The isoleucine at codon 1675 is replaced by leucine, an amino acid with highly similar properties. This amino acid position is conserved. In addition, this alteration is predicted to be tolerated by in silico analysis. Based on the available evidence, the clinical significance of this variant remains unclear.